The following is an entry in ClinVar:

NM_005228.5(EGFR):c.746T>C (p.Leu249Pro)

Gene: EGFR (epidermal growth factor receptor; plus strand). Cytogenetic location: 7p11.2.
Variant type: single nucleotide variant.
Coding change: c.746T>C on transcript NM_005228.5 (MANE Select); coding-DNA position 746, T replaced by C.
Protein change: p.Leu249Pro; replaces leucine 249 with proline.
Molecular consequence: missense variant. On other transcripts: intron variant (1).
Genome position (GRCh38, 1-based): chr7:55,152,663, T>C. VCF-style: chr7-55152663-T-C. GRCh37 (hg19) VCF-style: chr7-55220356-T-C.
Other names: c.611T>C, p.Leu204Pro (NM_001346897.2, NM_001346899.2); c.746T>C, p.Leu249Pro (NM_001346898.2, NM_201282.2, NM_201283.2 and 1 more transcripts); c.587T>C, p.Leu196Pro (NM_001346900.2); c.89-3167T>C (NM_001346941.2); c.746T>C (NM_005228.3); short protein forms L204P, L196P, L249P.
Identifiers: ClinVar variation 1380999 (VCV001380999.8), dbSNP rs765893589, ClinGen allele CA4265329.

ClinVar aggregate classification (germline): Uncertain significance. Review status: criteria provided, multiple submitters, no conflicts (2 of 4 stars). 2 submissions from 2 submitters: Uncertain significance (2). Last evaluated 2026-03-03.

Conditions:
Hereditary cancer-predisposing syndrome. Also called: Hereditary neoplastic syndrome; Tumor predisposition; Neoplastic Syndromes, Hereditary; Hereditary Cancer Syndrome. Identifiers: Orphanet 140162, MedGen C0027672, MeSH D009386, MONDO:0015356.
EGFR-related lung cancer (EGFR). Identifiers: MedGen CN130014.

Allele frequency attached by ClinVar (database versions not stated): ExAC 0.00001; gnomAD exomes 0.00001; TOPMed 0.00001.
gnomAD v4.1: 10 of 1,613,020 alleles (0.00062%); highest among the groups gnomAD compares: African/African-American, 0.0013%; no homozygotes.

Submissions (2):

Ambry Genetics
Classification: Uncertain significance for Hereditary cancer-predisposing syndrome. Last evaluated: 2026-03-03. Review status: criteria provided, single submitter. Criteria: Ambry Variant Classification Scheme 2023. Collection method: clinical testing. Allele origin: germline.

Labcorp Genetics (formerly Invitae), Labcorp
Classification: Uncertain significance for EGFR-related lung cancer. Last evaluated: 2025-08-30. Review status: criteria provided, single submitter. Criteria: Invitae Variant Classification Sherloc (09022015). Collection method: clinical testing. Allele origin: germline.
Comment: This sequence change replaces leucine, which is neutral and non-polar, with proline, which is neutral and non-polar, at codon 249 of the EGFR protein (p.Leu249Pro). This variant is present in population databases (rs765893589, gnomAD 0.0009%). This variant has not been reported in the literature in individuals affected with EGFR-related conditions. ClinVar contains an entry for this variant (Variation ID: 1380999). An algorithm developed to predict the effect of missense changes on protein structure and function (PolyPhen-2) suggests that this variant is likely to be disruptive. In summary, the available evidence is currently insufficient to determine the role of this variant in disease. Therefore, it has been classified as a Variant of Uncertain Significance.